The following is an entry in ClinVar:

NM_000179.3(MSH6):c.1015G>A (p.Ala339Thr)

Gene: MSH6 (mutS homolog 6; plus strand). Cytogenetic location: 2p16.3.
Variant type: single nucleotide variant.
Coding change: c.1015G>A on transcript NM_000179.3 (MANE Select); coding-DNA position 1015, G replaced by A.
Protein change: p.Ala339Thr; replaces alanine 339 with threonine.
Molecular consequence: missense variant.
Genome position (GRCh38, 1-based): chr2:47,798,998, G>A. VCF-style: chr2-47798998-G-A. GRCh37 (hg19) VCF-style: chr2-48026137-G-A.
Other names: c.718G>A, p.Ala240Thr (NM_001406830.1, NM_001406797.1, NM_001406801.1 and 10 more transcripts); c.625G>A, p.Ala209Thr (NM_001281492.2); c.109G>A, p.Ala37Thr (NM_001281493.2, NM_001281494.2, NM_001406811.1 and 6 more transcripts); c.1111G>A, p.Ala371Thr (NM_001406795.1, NM_001406802.1); c.1015G>A, p.Ala339Thr (NM_001406796.1, NM_001406798.1, NM_001406800.1 and 4 more transcripts); c.490G>A, p.Ala164Thr (NM_001406799.1, NM_001406806.1, NM_001406807.1); c.937G>A, p.Ala313Thr (NM_001406804.1); c.1021G>A, p.Ala341Thr (NM_001406813.1); and 1 more; short protein forms A209T, A37T, A164T, A313T, A240T, A371T, A283T, A339T.
Identifiers: ClinVar variation 1743029 (VCV001743029.7), dbSNP rs772760681, ClinGen allele CA346741282.

ClinVar aggregate classification (germline): Uncertain significance. Review status: criteria provided, multiple submitters, no conflicts (2 of 4 stars). 3 submissions from 3 submitters: Uncertain significance (3). Last evaluated 2025-08-26.

Conditions:
Hereditary nonpolyposis colorectal neoplasms. Identifiers: MedGen C0009405, MeSH D003123.
Hereditary cancer-predisposing syndrome. Also called: Hereditary Cancer Syndrome; Neoplastic Syndromes, Hereditary; Tumor predisposition; Hereditary neoplastic syndrome. Identifiers: Orphanet 140162, MedGen C0027672, MeSH D009386, MONDO:0015356.

Allele frequency attached by ClinVar (database versions not stated): gnomAD exomes below 0.00001.
gnomAD v4.1: 1 of 1,614,234 alleles (0.000062%); highest among the groups gnomAD compares: Non-Finnish European, 0.000085%; no homozygotes.

Submissions (3):

Ambry Genetics
Classification: Uncertain significance for Hereditary cancer-predisposing syndrome. Last evaluated: 2025-08-26. Review status: criteria provided, single submitter. Criteria: Ambry Variant Classification Scheme 2023. Collection method: clinical testing. Allele origin: germline.
Comment: The p.A339T variant (also known as c.1015G>A), located in coding exon 4 of the MSH6 gene, results from a G to A substitution at nucleotide position 1015. The alanine at codon 339 is replaced by threonine, an amino acid with similar properties. This amino acid position is not well conserved in available vertebrate species. In addition, this alteration is predicted to be tolerated by in silico analysis. Based on the available evidence, the clinical significance of this variant remains unclear.

Color Diagnostics, LLC DBA Color Health
Classification: Uncertain significance for Hereditary cancer-predisposing syndrome. Last evaluated: 2024-04-10. Review status: criteria provided, single submitter. Criteria: ACMG Guidelines, 2015. Collection method: clinical testing. Allele origin: germline.
Comment: This missense variant replaces alanine with threonine at codon 339 of the MSH6 protein. Computational prediction suggests that this variant may not impact protein structure and function. To our knowledge, functional studies have not been reported for this variant. This variant has not been reported in individuals affected with MSH6-related disorders in the literature. This variant has not been identified in the general population by the Genome Aggregation Database (gnomAD). The available evidence is insufficient to determine the role of this variant in disease conclusively. Therefore, this variant is classified as a Variant of Uncertain Significance.

Labcorp Genetics (formerly Invitae), Labcorp
Classification: Uncertain significance for Hereditary nonpolyposis colorectal neoplasms. Last evaluated: 2024-01-07. Review status: criteria provided, single submitter. Criteria: Invitae Variant Classification Sherloc (09022015). Collection method: clinical testing. Allele origin: germline.
Comment: This sequence change replaces alanine, which is neutral and non-polar, with threonine, which is neutral and polar, at codon 339 of the MSH6 protein (p.Ala339Thr). This variant is not present in population databases (gnomAD no frequency). This variant has not been reported in the literature in individuals affected with MSH6-related conditions. ClinVar contains an entry for this variant (Variation ID: 1743029). Advanced modeling of protein sequence and biophysical properties (such as structural, functional, and spatial information, amino acid conservation, physicochemical variation, residue mobility, and thermodynamic stability) performed at Invitae indicates that this missense variant is not expected to disrupt MSH6 protein function with a negative predictive value of 95%. In summary, the available evidence is currently insufficient to determine the role of this variant in disease. Therefore, it has been classified as a Variant of Uncertain Significance.